The following is an entry in ClinVar:

NM_015295.3(SMCHD1):c.5006G>A (p.Arg1669Gln)

Gene: SMCHD1 (structural maintenance of chromosomes flexible hinge domain containing 1; plus strand). Cytogenetic location: 18p11.32.
Variant type: single nucleotide variant.
Coding change: c.5006G>A on transcript NM_015295.3 (MANE Select); coding-DNA position 5006, G replaced by A.
Protein change: p.Arg1669Gln; replaces arginine 1669 with glutamine.
Molecular consequence: missense variant.
Genome position (GRCh38, 1-based): chr18:2,771,572, G>A. VCF-style: chr18-2771572-G-A. GRCh37 (hg19) VCF-style: chr18-2771570-G-A.
Other names: short protein forms R1669Q.
Identifiers: ClinVar variation 284563 (VCV000284563.17), dbSNP rs368367743, ClinGen allele CA8871638.

ClinVar aggregate classification (germline): Conflicting classifications of pathogenicity. Review status: criteria provided, conflicting classifications (1 of 4 stars). 5 submissions from 5 submitters: Uncertain significance (4); Likely benign (1). Last evaluated 2026-01-12.

Conditions:
Inborn genetic diseases. Identifiers: MedGen C0950123, MeSH D030342.
Facioscapulohumeral muscular dystrophy 2 (FSHD2). Also called: FACIOSCAPULOHUMERAL MUSCULAR DYSTROPHY 2, DIGENIC; FSHD2, DIGENIC; MUSCULAR DYSTROPHY, FACIOSCAPULOHUMERAL, TYPE 1B. Identifiers: Orphanet 269, MedGen C1834671, MONDO:0008031, OMIM 158901.

Allele frequency attached by ClinVar (database versions not stated): 1000 Genomes Project 30x 0.00016; ESP Exome Variant Server 0.00017; 1000 Genomes Project 0.00020; gnomAD 0.00031 and 0.00034; TOPMed 0.00037.
gnomAD v4.1: 148 of 1,565,644 alleles (0.0095%); highest among the groups gnomAD compares: African/African-American, 0.13%; no homozygotes.

Submissions (5):

Labcorp Genetics (formerly Invitae), Labcorp
Classification: Uncertain significance for Facioscapulohumeral muscular dystrophy 2. Last evaluated: 2026-01-12. Review status: criteria provided, single submitter. Criteria: Invitae Variant Classification Sherloc (09022015). Collection method: clinical testing. Allele origin: germline.
Comment: This sequence change replaces arginine, which is basic and polar, with glutamine, which is neutral and polar, at codon 1669 of the SMCHD1 protein (p.Arg1669Gln). This variant is present in population databases (rs368367743, gnomAD 0.09%), and has an allele count higher than expected for a pathogenic variant. This variant has not been reported in the literature in individuals affected with SMCHD1-related conditions. ClinVar contains an entry for this variant (Variation ID: 284563). Invitae Evidence Modeling of protein sequence and biophysical properties (such as structural, functional, and spatial information, amino acid conservation, physicochemical variation, residue mobility, and thermodynamic stability) indicates that this missense variant is not expected to disrupt SMCHD1 protein function with a negative predictive value of 80%. In summary, the available evidence is currently insufficient to determine the role of this variant in disease. Therefore, it has been classified as a Variant of Uncertain Significance.

Revvity Omics, Revvity
Classification: Uncertain significance. Last evaluated: 2024-05-30. Review status: criteria provided, single submitter. Criteria: ACMG Guidelines, 2015. Collection method: clinical testing. Allele origin: germline.

Blueprint Genetics
Classification: Likely benign. Last evaluated: 2022-07-08. Review status: criteria provided, single submitter. Criteria: ACMG Guidelines, 2015. Collection method: clinical testing. Allele origin: germline.

Ambry Genetics
Classification: Uncertain significance for Inborn genetic diseases. Last evaluated: 2021-06-22. Review status: criteria provided, single submitter. Criteria: Ambry Variant Classification Scheme 2023. Collection method: clinical testing. Allele origin: germline.

Eurofins Ntd Llc (ga)
Classification: Uncertain significance. Last evaluated: 2018-08-23. Review status: criteria provided, single submitter. Criteria: EGL ClinVar v180209 classification definitions. Collection method: clinical testing. Allele origin: germline. Observed: 2 variant alleles, 2 heterozygotes.